The following is an entry in ClinVar:

NM_133433.4(NIPBL):c.2933T>C (p.Met978Thr)

Gene: NIPBL (NIPBL cohesin loading factor; plus strand). Cytogenetic location: 5p13.2.
Variant type: single nucleotide variant.
Coding change: c.2933T>C on transcript NM_133433.4 (MANE Select); coding-DNA position 2933, T replaced by C.
Protein change: p.Met978Thr; replaces methionine 978 with threonine.
Molecular consequence: missense variant.
Genome position (GRCh38, 1-based): chr5:36,986,113, T>C. VCF-style: chr5-36986113-T-C. GRCh37 (hg19) VCF-style: chr5-36986215-T-C.
Other names: c.2933T>C, p.Met978Thr (NM_015384.5); short protein forms M978T.
Identifiers: ClinVar variation 1309679 (VCV001309679.2), dbSNP rs779638068, ClinGen allele CA3236244.

ClinVar aggregate classification (germline): Uncertain significance (1 of 4 stars; one submission).

Allele frequency attached by ClinVar (database versions not stated): gnomAD exomes below 0.00001; ExAC 0.00001.
gnomAD v4.1: 5 of 1,613,660 alleles (0.00031%); highest among the groups gnomAD compares: Middle Eastern, 0.017%; no homozygotes.

Submission:

GeneDx
Classification: Uncertain significance. Last evaluated: 2020-01-24. Review status: criteria provided, single submitter. Criteria: GeneDx Variant Classification Process June 2021. Collection method: clinical testing. Allele origin: germline. Affected: yes.
Comment: Not observed in large population cohorts (Lek et al., 2016); In silico analysis, which includes protein predictors and evolutionary conservation, supports that this variant does not alter protein structure/function; Has not been previously published as pathogenic or benign to our knowledge